The following is an entry in ClinVar:

NM_002439.5(MSH3):c.2009C>A (p.Thr670Asn)

Gene: MSH3 (mutS homolog 3; plus strand). Cytogenetic location: 5q14.1.
Variant type: single nucleotide variant.
Coding change: c.2009C>A on transcript NM_002439.5 (MANE Select); coding-DNA position 2009, C replaced by A.
Protein change: p.Thr670Asn; replaces threonine 670 with asparagine.
Molecular consequence: missense variant.
Genome position (GRCh38, 1-based): chr5:80,768,045, C>A. VCF-style: chr5-80768045-C-A. GRCh37 (hg19) VCF-style: chr5-80063864-C-A.
Other names: short protein forms T670N.
Identifiers: ClinVar variation 4826793 (VCV004826793.1).

ClinVar aggregate classification (germline): Uncertain significance (1 of 4 stars; one submission).

Conditions:
Hereditary cancer-predisposing syndrome. Also called: Neoplastic Syndromes, Hereditary; Tumor predisposition; Hereditary Cancer Syndrome; Hereditary neoplastic syndrome. Identifiers: Orphanet 140162, MedGen C0027672, MeSH D009386, MONDO:0015356.

Submission:

Ambry Genetics
Classification: Uncertain significance for Hereditary cancer-predisposing syndrome. Last evaluated: 2026-03-08. Review status: criteria provided, single submitter. Criteria: Ambry Variant Classification Scheme 2023. Collection method: clinical testing. Allele origin: germline.
Comment: The p.T670N variant (also known as c.2009C>A), located in coding exon 14 of the MSH3 gene, results from a C to A substitution at nucleotide position 2009. The threonine at codon 670 is replaced by asparagine, an amino acid with similar properties. This amino acid position is conserved. In addition, this alteration is predicted to be tolerated by in silico analysis. Based on the available evidence, the clinical significance of this variant remains unclear.